The following is an entry in ClinVar:

ClinVar aggregate classification (germline): Uncertain significance (0 of 4 stars; one submission).

Allele frequency attached by ClinVar (database versions not stated): gnomAD 0.00002 and 0.00001; ExAC 0.00002; ESP Exome Variant Server 0.00008; TOPMed 0.00001; gnomAD exomes 0.00002 and 0.00001.
gnomAD v4.1: 10 of 1,613,946 alleles (0.00062%); highest among the groups gnomAD compares: Non-Finnish European, 0.00051%; no homozygotes.

Submission:

Martin Pollak Laboratory,  Beth Israel Deaconess Medical Center
Classification: Uncertain significance. Review status: no assertion criteria provided. Collection method: not provided. Allele origin: unknown.
Comment: Lower UCa2+ group
ClinVar note: Converted during submission from unknown to Uncertain significance.

NM_199328.3(CLDN8):c.358C>T (p.Leu120=)

Gene: CLDN8 (claudin 8; minus strand). Cytogenetic location: 21q22.11.
Variant type: single nucleotide variant.
Coding change: c.358C>T on transcript NM_199328.3 (MANE Select); coding-DNA position 358, C replaced by T.
Protein change: p.Leu120=; no amino-acid change (leucine 120 retained).
Molecular consequence: synonymous variant.
Genome position (GRCh38, 1-based): chr21:30,215,568, G>A on the plus strand (C>T on the coding strand, the complement: CLDN8 is on the minus strand). VCF-style: chr21-30215568-G-A. GRCh37 (hg19) VCF-style: chr21-31587886-G-A.
Identifiers: ClinVar variation 64606 (VCV000064606.2), dbSNP rs370704016, ClinGen allele CA216498.